The following is an entry in ClinVar:

ClinVar aggregate classification (germline): Uncertain significance (1 of 4 stars; one submission).

Conditions:
Aortic aneurysm, familial thoracic 8 (AAT8). Identifiers: MedGen C3809513, MONDO:0014187, OMIM 615436.

gnomAD v4.1: 5 of 1,604,394 alleles (0.00031%); highest among the groups gnomAD compares: Non-Finnish European, 0.00043%; no homozygotes.

Submission:

Labcorp Genetics (formerly Invitae), Labcorp
Classification: Uncertain significance for Aortic aneurysm, familial thoracic 8. Last evaluated: 2025-07-15. Review status: criteria provided, single submitter. Criteria: Invitae Variant Classification Sherloc (09022015). Collection method: clinical testing. Allele origin: germline.
Comment: This sequence change replaces glutamine, which is neutral and polar, with proline, which is neutral and non-polar, at codon 210 of the PRKG1 protein (p.Gln210Pro). This variant is not present in population databases (gnomAD no frequency). This variant has not been reported in the literature in individuals affected with PRKG1-related conditions. An algorithm developed to predict the effect of missense changes on protein structure and function (PolyPhen-2) suggests that this variant is likely to be tolerated. In summary, the available evidence is currently insufficient to determine the role of this variant in disease. Therefore, it has been classified as a Variant of Uncertain Significance.

NM_006258.4(PRKG1):c.629A>C (p.Gln210Pro)

Gene: PRKG1 (protein kinase cGMP-dependent 1; plus strand). Cytogenetic location: 10q21.1.
Variant type: single nucleotide variant.
Coding change: c.629A>C on transcript NM_006258.4 (MANE Select); coding-DNA position 629, A replaced by C.
Protein change: p.Gln210Pro; replaces glutamine 210 with proline.
Molecular consequence: missense variant.
Genome position (GRCh38, 1-based): chr10:51,804,621, A>C. VCF-style: chr10-51804621-A-C. GRCh37 (hg19) VCF-style: chr10-53564381-A-C.
Other names: c.584A>C, p.Gln195Pro (NM_001098512.3); c.629A>C, p.Gln210Pro (NM_001374782.1); short protein forms Q210P, Q195P.
Identifiers: ClinVar variation 4704062 (VCV004704062.1).